The following is an entry in ClinVar:

ClinVar aggregate classification (germline): Likely benign. Review status: criteria provided, multiple submitters, no conflicts (2 of 4 stars). 3 submissions from 3 submitters: Likely benign (3). Last evaluated 2026-09-22.

Conditions:
Charcot-Marie-Tooth disease type 2E (CMT2E). Also called: CHARCOT-MARIE-TOOTH DISEASE, AXONAL, TYPE 2E; CHARCOT-MARIE-TOOTH NEUROPATHY, TYPE 2E. Identifiers: Orphanet 99939, MedGen C1843225, MONDO:0011894, OMIM 607684.
NEFL-related disorder. Also called: NEFL-related condition.

Allele frequency attached by ClinVar (database versions not stated): ExAC 0.00002; gnomAD 0.00003.

Submissions (3):

PreventionGenetics, part of Exact Sciences
Classification: Likely benign for NEFL-related condition. Last evaluated: 2026-09-22. Review status: criteria provided, single submitter. Criteria: ACMG Guidelines, 2015. Collection method: clinical testing. Allele origin: germline.
Comment: This variant is classified as likely benign based on ACMG/AMP sequence variant interpretation guidelines (Richards et al. 2015 PMID: 25741868, with internal and published modifications).

Labcorp Genetics (formerly Invitae), Labcorp
Classification: Likely benign for Charcot-Marie-Tooth disease type 2E. Last evaluated: 2025-09-16. Review status: criteria provided, single submitter. Criteria: Invitae Variant Classification Sherloc (09022015). Collection method: clinical testing. Allele origin: germline.

GeneDx
Classification: Likely benign. Last evaluated: 2017-01-17. Review status: criteria provided, single submitter. Criteria: GeneDx Variant Classification (06012015). Collection method: clinical testing. Allele origin: germline. Affected: yes.
Comment: This variant is considered likely benign or benign based on one or more of the following criteria: it is a conservative change, it occurs at a poorly conserved position in the protein, it is predicted to be benign by multiple in silico algorithms, and/or has population frequency not consistent with disease.

NM_006158.5(NEFL):c.1080C>T (p.Thr360=)

Genes: NEFL (neurofilament light chain; minus strand), LOC126860330 (BRD4-independent group 4 enhancer GRCh37_chr8:24811677-24812876; plus strand). Cytogenetic location: 8p21.2.
Variant type: single nucleotide variant.
Coding change: c.1080C>T on transcript NM_006158.5 (MANE Select); coding-DNA position 1080, C replaced by T.
Protein change: p.Thr360=; no amino-acid change (threonine 360 retained).
Molecular consequence: synonymous variant.
Genome position (GRCh38, 1-based): chr8:24,954,270, G>A on the plus strand (C>T on the coding strand, the complement: NEFL is on the minus strand). VCF-style: chr8-24954270-G-A. GRCh37 (hg19) VCF-style: chr8-24811784-G-A.
Identifiers: ClinVar variation 506872 (VCV000506872.12), dbSNP rs760765563, ClinGen allele CA4681348.